The following is an entry in ClinVar:

ClinVar aggregate classification (germline): Likely benign (1 of 4 stars; one submission).

Submission:

GeneDx
Classification: Likely benign. Last evaluated: 2016-03-03. Review status: criteria provided, single submitter. Criteria: GeneDx Variant Classification (06012015). Collection method: clinical testing. Allele origin: germline. Affected: yes.
Comment: This variant is considered likely benign or benign based on one or more of the following criteria: it is a conservative change, it occurs at a poorly conserved position in the protein, it is predicted to be benign by multiple in silico algorithms, and/or has population frequency not consistent with disease.

NM_007175.8(ERLIN2):c.-42G>C

Genes: ERLIN2 (ER lipid raft associated 2; plus strand), LOC130000200 (ATAC-STARR-seq lymphoblastoid active region 27228; plus strand), LOC102723701 (uncharacterized LOC102723701; minus strand). Cytogenetic location: 8p11.23.
Variant type: single nucleotide variant.
Coding change: c.-42G>C on transcript NM_007175.8 (MANE Select); 42 bases upstream of the start codon, G replaced by C.
Molecular consequence: 5 prime UTR variant. On other transcripts: non-coding transcript variant (1).
Genome position (GRCh38, 1-based): chr8:37,736,652, G>C. VCF-style: chr8-37736652-G-C. GRCh37 (hg19) VCF-style: chr8-37594170-G-C.
Other names: c.-371G>C (NM_001003790.4, NM_001362878.2); c.-42G>C (NM_001003791.3); c.-792G>C (NM_001362880.2).
Identifiers: ClinVar variation 383997 (VCV000383997.1), dbSNP rs1057521811, ClinGen allele CA16605383.